The following is an entry in ClinVar:

ClinVar aggregate classification (germline): Uncertain significance (1 of 4 stars; one submission).

Conditions:
Cardiovascular phenotype. Identifiers: MedGen CN230736.

Allele frequency attached by ClinVar (database versions not stated): gnomAD exomes 0.00001.
gnomAD v4.1: 8 of 1,613,630 alleles (0.0005%); highest among the groups gnomAD compares: Non-Finnish European, 0.00059%; no homozygotes.

Submission:

Ambry Genetics
Classification: Uncertain significance for Cardiovascular phenotype. Last evaluated: 2019-10-17. Review status: criteria provided, single submitter. Criteria: Ambry Variant Classification Scheme 2023. Collection method: clinical testing. Allele origin: germline.
Comment: The p.V17654A variant (also known as c.52961T>C), located in coding exon 153 of the TTN gene, results from a T to C substitution at nucleotide position 52961. The valine at codon 17654 is replaced by alanine, an amino acid with similar properties. This amino acid position is not well conserved in available vertebrate species. In addition, this alteration is predicted to be tolerated by in silico analysis. Since supporting evidence is limited at this time, the clinical significance of this alteration remains unclear.

NM_001267550.2(TTN):c.80156T>C (p.Val26719Ala)

Genes: TTN (titin; minus strand), TTN-AS1 (TTN antisense RNA 1; plus strand). Cytogenetic location: 2q31.2.
Variant type: single nucleotide variant.
Coding change: c.80156T>C on transcript NM_001267550.2 (MANE Select); coding-DNA position 80156, T replaced by C.
Protein change: p.Val26719Ala; replaces valine 26719 with alanine.
Molecular consequence: missense variant.
Genome position (GRCh38, 1-based): chr2:178,565,976, A>G on the plus strand (T>C on the coding strand, the complement: TTN is on the minus strand). VCF-style: chr2-178565976-A-G. GRCh37 (hg19) VCF-style: chr2-179430703-A-G.
Other names: c.75233T>C, p.Val25078Ala (NM_001256850.1); c.52961T>C, p.Val17654Ala (NM_003319.4); c.72452T>C, p.Val24151Ala (NM_133378.4); c.53336T>C, p.Val17779Ala (NM_133432.3); c.53537T>C, p.Val17846Ala (NM_133437.4); short protein forms V17654A, V25078A, V17846A, V24151A, V17779A, V26719A.
Identifiers: ClinVar variation 1746657 (VCV001746657.2), dbSNP rs2468267730, ClinGen allele CA349590784.